The following is an entry in ClinVar:

NM_005902.4(SMAD3):c.1059C>A (p.Ala353=)

Gene: SMAD3 (SMAD family member 3; plus strand). Cytogenetic location: 15q22.33.
Variant type: single nucleotide variant.
Coding change: c.1059C>A on transcript NM_005902.4 (MANE Select); coding-DNA position 1059, C replaced by A.
Protein change: p.Ala353=; no amino-acid change (alanine 353 retained).
Molecular consequence: synonymous variant.
Genome position (GRCh38, 1-based): chr15:67,187,414, C>A. VCF-style: chr15-67187414-C-A. GRCh37 (hg19) VCF-style: chr15-67479752-C-A.
Other names: c.744C>A, p.Ala248= (NM_001145102.2); c.927C>A, p.Ala309= (NM_001145103.2); c.474C>A, p.Ala158= (NM_001145104.2).
Identifiers: ClinVar variation 700083 (VCV000700083.20), dbSNP rs767649515, ClinGen allele CA061577.
Genomic context (GRCh38, chr15:67,187,414, plus strand): 5'-GTTTTTGGCAGGATGCAACCTGAAGATCTTCAACAACCAGGAGTTCGCTGCCCTCCTGGC[C>A]CAGTCGGTCAACCAGGGCTTTGAGGCTGTCTACCAGTTGACCCGAATGTGCACCATCCGC-3'
Protein context (NP_005893.1, residues 343-363): FNNQEFAALL[Ala353=]QSVNQGFEAV

ClinVar aggregate classification (germline): Conflicting classifications of pathogenicity. Review status: criteria provided, conflicting classifications (1 of 4 stars). 6 submissions from 6 submitters: Uncertain significance (1); Likely benign (5). Last evaluated 2025-11-16.

Conditions:
Aneurysm-osteoarthritis syndrome. Also called: SMAD3-Related Loeys-Dietz Syndrome; LOEYS-DIETZ SYNDROME WITH OSTEOARTHRITIS; Loeys-Dietz syndrome, type 1C; ANEURYSMS-OSTEOARTHRITIS SYNDROME. Identifiers: Orphanet 284984, MedGen C3151087, MONDO:0013426, OMIM 613795.
Familial thoracic aortic aneurysm and aortic dissection (TAAD). Also called: Thoracic aortic aneurysms and dissections. Identifiers: Orphanet 91387, MedGen C4707243, MONDO:0019625.

Allele frequency attached by ClinVar (database versions not stated): ExAC 0.00001; gnomAD 0.00001 and 0.00002; TOPMed 0.00001; gnomAD exomes 0.00002 and 0.00007.
gnomAD v4.1: 103 of 1,614,000 alleles (0.0064%); highest among the groups gnomAD compares: Non-Finnish European, 0.0086%; no homozygotes.

Submissions (6):

Labcorp Genetics (formerly Invitae), Labcorp
Classification: Likely benign for Familial thoracic aortic aneurysm and aortic dissection. Last evaluated: 2025-11-16. Review status: criteria provided, single submitter. Criteria: Invitae Variant Classification Sherloc (09022015). Collection method: clinical testing. Allele origin: germline.

Blueprint Genetics
Classification: Likely benign. Last evaluated: 2024-05-20. Review status: criteria provided, single submitter. Criteria: ACMG Guidelines, 2015. Collection method: clinical testing. Allele origin: germline.

All of Us Research Program, National Institutes of Health
Classification: Likely benign for Aneurysm-osteoarthritis syndrome. Last evaluated: 2023-12-13. Review status: criteria provided, single submitter. Criteria: ACMG Guidelines, 2015. Collection method: clinical testing. Allele origin: germline. Inheritance: Autosomal dominant inheritance. Observed: 5 variant alleles, 5 heterozygotes.
Comment: This study involves interpretation of variants in research participants for the purpose of population health screening. Participant phenotype was not available at the time of variant classification. Additional details can be found in publication PMID: 35346344, PMCID: PMC8962531

Ambry Genetics
Classification: Likely benign for Familial thoracic aortic aneurysm and aortic dissection. Last evaluated: 2022-03-25. Review status: criteria provided, single submitter. Criteria: Ambry Variant Classification Scheme 2023. Collection method: clinical testing. Allele origin: germline.

Color Diagnostics, LLC DBA Color Health
Classification: Likely benign for Familial thoracic aortic aneurysm and aortic dissection. Last evaluated: 2019-05-03. Review status: criteria provided, single submitter. Criteria: ACMG Guidelines, 2015. Collection method: clinical testing. Allele origin: germline.

Illumina Laboratory Services, Illumina
Classification: Uncertain significance for Aneurysm-osteoarthritis syndrome. Last evaluated: 2018-01-13. Review status: criteria provided, single submitter. Criteria: ICSL Variant Classification Criteria 13 December 2019. Collection method: clinical testing. Allele origin: germline.